The following is an entry in ClinVar:

NM_025114.4(CEP290):c.3175del (p.Lys1058_Ile1059insTer)

Gene: CEP290 (centrosomal protein 290; minus strand). Cytogenetic location: 12q21.32.
Variant type: Deletion.
Coding change: c.3175del on transcript NM_025114.4 (MANE Select); coding-DNA position 3175, one base deleted (A; older notation c.3175delA).
Protein change: p.Lys1058_Ile1059insTer.
Molecular consequence: nonsense.
Genome position (GRCh38, 1-based): chr12:88,093,904, T deleted on the plus strand (A on the coding strand, the reverse complement: CEP290 is on the minus strand); the first of 8 consecutive T bases (chr12:88,093,904-88,093,911); deleting any one gives the same sequence. VCF-style (leftmost placement, unchanged base first): chr12-88093903-AT-A. GRCh37 (hg19) VCF-style: chr12-88487680-AT-A.
Other names: p.Ile1059*; c.3175delA (NM_025114.3).
Identifiers: ClinVar variation 56735 (VCV000056735.12), dbSNP rs62640570, ClinGen allele CA144393.

ClinVar aggregate classification (germline): Pathogenic. Review status: criteria provided, multiple submitters, no conflicts (2 of 4 stars). 6 submissions from 6 submitters: Pathogenic (5). 1 of the submissions does not count toward it. Last evaluated 2026-04-08.

Conditions:
Autosomal recessive CEP290-related disorders.
Joubert syndrome. Also called: JOUBERT-BOLTSHAUSER SYNDROME; Familial aplasia of the vermis. Identifiers: Orphanet 475, MedGen C5979921, MONDO:0018772.
Meckel-Gruber syndrome. Also called: DYSENCEPHALIA SPLANCHNOCYSTICA; GRUBER SYNDROME; Dysencephalia splachnocystica. Identifiers: Orphanet 564, MedGen C0265215, MONDO:0018921.
Nephronophthisis. Also called: Juvenile Nephronophthisis. Identifiers: Orphanet 655, MedGen C0687120, MONDO:0019005, HP:0000090.
Bardet-Biedl syndrome 14 (BBS14). Identifiers: Orphanet 110, MedGen C2673874, MONDO:0014442, OMIM 615991.
Leber congenital amaurosis 10 (LCA10). Identifiers: Orphanet 65, MedGen C1857821, MONDO:0012723, OMIM 611755.
Meckel syndrome, type 4 (MKS4). Also called: MECKEL-GRUBER SYNDROME, TYPE 4. Identifiers: Orphanet 564, MedGen C1970161, MONDO:0012626, OMIM 611134.
Joubert syndrome 5 (JBTS5). Identifiers: Orphanet 2318, MedGen C1857780, MONDO:0012432, OMIM 610188.
Senior-Loken syndrome 6 (SLSN6). Identifiers: Orphanet 3156, MedGen C1857779, MONDO:0012433, OMIM 610189.

Submissions (6):

Department of Molecular Genetics, Istishari Arab Hospital
Classification: Pathogenic for Meckel syndrome, type 4. Last evaluated: 2026-04-08. Review status: criteria provided, single submitter. Criteria: ACMG Guidelines, 2015. Collection method: clinical testing. Allele origin: germline. Inheritance: Autosomal recessive inheritance. Affected: yes.
Comment: The CEP290 variant c.3175del, p.Ile1059*creates a premature stop codon at position 1059. This variant is observed with very low frequency (<0.001) in the gnomAD v4.1.0 dataset. This variant was previously reported in patients with Meckel syndrome (PMID: 17564974). It is classified as pathogenic according to the recommendations of ACMG/AMP/ClinGen SVI guidelines.

Labcorp Genetics (formerly Invitae), Labcorp
Classification: Pathogenic for Joubert syndrome; Meckel-Gruber syndrome; Nephronophthisis. Last evaluated: 2025-12-08. Review status: criteria provided, single submitter. Criteria: Invitae Variant Classification Sherloc (09022015). Collection method: clinical testing. Allele origin: germline.
Comment: This sequence change creates a premature translational stop signal (p.Ile1059*) in the CEP290 gene. It is expected to result in an absent or disrupted protein product. Loss-of-function variants in CEP290 are known to be pathogenic (PMID: 16909394, 17345604, 20690115). The frequency data for this variant in the population databases is considered unreliable, as metrics indicate poor data quality at this position in the gnomAD database. This premature translational stop signal has been observed in individual(s) with Meckel syndrome (PMID: 17564974). ClinVar contains an entry for this variant (Variation ID: 56735). Algorithms developed to predict the effect of sequence changes on RNA splicing suggest that this variant may disrupt the consensus splice site. For these reasons, this variant has been classified as Pathogenic.

Variantyx, Inc.
Classification: Pathogenic for Autosomal recessive CEP290-related disorders. Last evaluated: 2025-09-15. Review status: criteria provided, single submitter. Criteria: Variantyx Assertion Criteria 2022. Collection method: clinical testing. Allele origin: germline. Inheritance: Autosomal recessive inheritance. Affected: yes.
Comment: This is a frameshift variant in the CEP290 gene (OMIM: 610142). Pathogenic variants in this gene have been associated with autosomal recessive CEP290-related disorders. This variant introduces a premature termination codon in exon 28 out of 54 and is expected to result in loss of function, which is a known disease mechanism for CEP290 in hese disorders (PMID: 16909394, 20690115, 17345604) (PVS1). This variant has a 0.0047% maximum allele frequency in non-founder control populations (PM2). Based on the current evidence, this variant is classified as pathogenic for autosomal recessive CEP290-related disorders.

Baylor Genetics
Classification: Pathogenic for Bardet-Biedl syndrome 14. Last evaluated: 2024-02-16. Review status: criteria provided, single submitter. Criteria: ACMG Guidelines, 2015. Collection method: clinical testing. Allele origin: unknown.

Fulgent Genetics
Classification: Pathogenic for Joubert syndrome 5; Senior-Loken syndrome 6; Meckel syndrome, type 4; Leber congenital amaurosis 10; Bardet-Biedl syndrome 14. Last evaluated: 2022-04-28. Review status: criteria provided, single submitter. Criteria: ACMG Guidelines, 2015. Collection method: clinical testing. Allele origin: unknown.

Juha Muilu Group; Institute for Molecular Medicine Finland (FIMM)
Classification: Likely pathogenic for Meckel syndrome type 4. Review status: no assertion criteria provided. Collection method: not provided. Allele origin: unknown. Not counted in ClinVar's aggregate classification.
Comment: FinDis database variant: This variant was not found or characterized by our laboratory, data were collected from public sources: see reference
ClinVar note: Converted during submission from probable-pathogenic to Likely pathogenic.

Literature cited by the submitters: PubMed 17564974 (cited by 3 submitters); PubMed 16909394 (cited by Labcorp Genetics (formerly Invitae), Labcorp and Variantyx, Inc.); PubMed 17345604 (cited by Labcorp Genetics (formerly Invitae), Labcorp and Variantyx, Inc.); PubMed 20690115 (cited by Labcorp Genetics (formerly Invitae), Labcorp and Variantyx, Inc.); PubMed 35352487 (cited by Variantyx, Inc.).